The following is an entry in ClinVar:

ClinVar aggregate classification (germline): Uncertain significance (1 of 4 stars; one submission).

Allele frequency attached by ClinVar (database versions not stated): gnomAD 0.00007 and 0.00009; gnomAD exomes 0.00010 and 0.00019; TOPMed 0.00011; ExAC 0.00021; ESP Exome Variant Server 0.00023; 1000 Genomes Project 30x 0.00062; 1000 Genomes Project 0.00080.

Submission:

Labcorp Genetics (formerly Invitae), Labcorp
Classification: Uncertain significance. Last evaluated: 2022-08-22. Review status: criteria provided, single submitter. Criteria: Invitae Variant Classification Sherloc (09022015). Collection method: clinical testing. Allele origin: germline.
Comment: This sequence change replaces valine, which is neutral and non-polar, with methionine, which is neutral and non-polar, at codon 169 of the DGAT1 protein (p.Val169Met). This variant is present in population databases (rs144065666, gnomAD 0.2%). This variant has not been reported in the literature in individuals affected with DGAT1-related conditions. ClinVar contains an entry for this variant (Variation ID: 1517829). Algorithms developed to predict the effect of missense changes on protein structure and function output the following: SIFT: "Tolerated"; PolyPhen-2: "Benign"; Align-GVGD: "Class C0". The methionine amino acid residue is found in multiple mammalian species, which suggests that this missense change does not adversely affect protein function. In summary, the available evidence is currently insufficient to determine the role of this variant in disease. Therefore, it has been classified as a Variant of Uncertain Significance.

NM_012079.6(DGAT1):c.505G>A (p.Val169Met)

Gene: DGAT1 (diacylglycerol O-acyltransferase 1; minus strand). Cytogenetic location: 8q24.3.
Variant type: single nucleotide variant.
Coding change: c.505G>A on transcript NM_012079.6 (MANE Select); coding-DNA position 505, G replaced by A.
Protein change: p.Val169Met; replaces valine 169 with methionine.
Molecular consequence: missense variant.
Genome position (GRCh38, 1-based): chr8:144,318,530, C>T on the plus strand (G>A on the coding strand, the complement: DGAT1 is on the minus strand). VCF-style: chr8-144318530-C-T. GRCh37 (hg19) VCF-style: chr8-145542193-C-T.
Other names: short protein forms V169M.
Identifiers: ClinVar variation 1517829 (VCV001517829.3), dbSNP rs144065666, ClinGen allele CA4937008.